The following is an entry in ClinVar:

ClinVar aggregate classification (germline): Uncertain significance (1 of 4 stars; one submission).

gnomAD v4.1: 5 of 1,612,356 alleles (0.00031%); highest among the groups gnomAD compares: African/African-American, 0.0053%; no homozygotes.

Submission:

Dasa
Classification: Uncertain significance. Last evaluated: 2026-03-20. Review status: criteria provided, single submitter. Criteria: DASA Assertion Criteria. Collection method: clinical testing. Allele origin: germline.
Comment: NM_006793.5(PRDX3):c.538G>A (p.Gly180Ser) is a missense variant that results in the substitution of glycine with serine. This variant is rare in population databases. The currently available literature and clinical evidence are not sufficient to establish a definitive association between this variant and the reported condition. Therefore, this variant is classified as a variant of uncertain significance.

NM_006793.5(PRDX3):c.538G>A (p.Gly180Ser)

Gene: PRDX3 (peroxiredoxin 3; minus strand). Cytogenetic location: 10q26.11.
Variant type: single nucleotide variant.
Coding change: c.538G>A on transcript NM_006793.5 (MANE Select); coding-DNA position 538, G replaced by A.
Protein change: p.Gly180Ser; replaces glycine 180 with serine.
Molecular consequence: missense variant. On other transcripts: non-coding transcript variant (3).
Genome position (GRCh38, 1-based): chr10:119,172,395, C>T on the plus strand (G>A on the coding strand, the complement: PRDX3 is on the minus strand). VCF-style: chr10-119172395-C-T. GRCh37 (hg19) VCF-style: chr10-120931907-C-T.
Other names: c.538G>A, p.Gly180Ser (NM_001302272.2); short protein forms G180S.
Identifiers: ClinVar variation 4882522 (VCV004882522.2).